The following is an entry in ClinVar:

ClinVar aggregate classification (germline): Conflicting classifications of pathogenicity. Review status: criteria provided, conflicting classifications (1 of 4 stars). 2 submissions from 2 submitters: Uncertain significance (1); Likely benign (1). Last evaluated 2022-05-25.

Conditions:
Erythrocytosis, familial, 3 (ECYT3). Identifiers: Orphanet 247511, MedGen C1853286, MONDO:0012353, OMIM 609820.

Allele frequency attached by ClinVar (database versions not stated): gnomAD exomes 0.00001; gnomAD 0.00002 and 0.00003; TOPMed 0.00002.
gnomAD v4.1: 16 of 1,613,556 alleles (0.00099%); highest among the groups gnomAD compares: South Asian, 0.0044%; no homozygotes.

Submissions (2):

Labcorp Genetics (formerly Invitae), Labcorp
Classification: Uncertain significance for Erythrocytosis, familial, 3. Last evaluated: 2022-05-25. Review status: criteria provided, single submitter. Criteria: Invitae Variant Classification Sherloc (09022015). Collection method: clinical testing. Allele origin: germline.
Comment: In summary, the available evidence is currently insufficient to determine the role of this variant in disease. Therefore, it has been classified as a Variant of Uncertain Significance. Algorithms developed to predict the effect of sequence changes on RNA splicing suggest that this variant may create or strengthen a splice site. Algorithms developed to predict the effect of missense changes on protein structure and function (SIFT, PolyPhen-2, Align-GVGD) all suggest that this variant is likely to be tolerated. This variant has not been reported in the literature in individuals affected with EGLN1-related conditions. This variant is present in population databases (rs560996946, gnomAD 0.006%). This sequence change replaces asparagine, which is neutral and polar, with serine, which is neutral and polar, at codon 306 of the EGLN1 protein (p.Asn306Ser).

Ambry Genetics
Classification: Likely benign. Last evaluated: 2020-11-16. Review status: criteria provided, single submitter. Criteria: Ambry Variant Classification Scheme 2023. Collection method: clinical testing. Allele origin: germline.

NM_022051.3(EGLN1):c.917A>G (p.Asn306Ser)

Gene: EGLN1 (egl-9 family hypoxia inducible factor 1; minus strand). Cytogenetic location: 1q42.2.
Variant type: single nucleotide variant.
Coding change: c.917A>G on transcript NM_022051.3 (MANE Select); coding-DNA position 917, A replaced by G.
Protein change: p.Asn306Ser; replaces asparagine 306 with serine.
Molecular consequence: missense variant.
Genome position (GRCh38, 1-based): chr1:231,374,074, T>C on the plus strand (A>G on the coding strand, the complement: EGLN1 is on the minus strand). VCF-style: chr1-231374074-T-C. GRCh37 (hg19) VCF-style: chr1-231509820-T-C.
Other names: c.917A>G, p.Asn306Ser (NM_001377260.1, NM_001377261.1); short protein forms N306S.
Identifiers: ClinVar variation 1404566 (VCV001404566.8), dbSNP rs560996946, ClinGen allele CA38963903.